The following is an entry in ClinVar:

NM_007294.4(BRCA1):c.1975C>T (p.Pro659Ser)

Gene: BRCA1 (BRCA1 DNA repair associated; minus strand). Cytogenetic location: 17q21.31.
Variant type: single nucleotide variant.
Coding change: c.1975C>T on transcript NM_007294.4 (MANE Select); coding-DNA position 1975, C replaced by T.
Protein change: p.Pro659Ser; replaces proline 659 with serine.
Molecular consequence: missense variant. On other transcripts: intron variant (137).
Genome position (GRCh38, 1-based): chr17:43,093,556, G>A on the plus strand (C>T on the coding strand, the complement: BRCA1 is on the minus strand). VCF-style: chr17-43093556-G-A. GRCh37 (hg19) VCF-style: chr17-41245573-G-A.
Other names: c.1762C>T, p.Pro588Ser (NM_001407571.1, NM_001407853.1, NM_001407894.1 and 9 more transcripts); c.1975C>T, p.Pro659Ser (NM_001407581.1, NM_001407582.1, NM_001407583.1 and 30 more transcripts); c.1972C>T, p.Pro658Ser (NM_001407587.1, NM_001407590.1, NM_001407591.1 and 22 more transcripts); c.1966C>T, p.Pro656Ser (NM_001407646.1, NM_001407647.1); c.1852C>T, p.Pro618Ser (NM_001407648.1, NM_001407664.1, NM_001407665.1 and 19 more transcripts); c.1849C>T, p.Pro617Ser (NM_001407649.1, NM_001407670.1, NM_001407671.1 and 11 more transcripts); c.1897C>T, p.Pro633Ser (NM_001407653.1, NM_001407654.1, NM_001407655.1 and 4 more transcripts); c.1894C>T, p.Pro632Ser (NM_001407659.1, NM_001407660.1, NM_001407661.1 and 1 more transcripts); and 40 more; short protein forms P363S, P531S, P532S, P548S, P591S, P617S, P632S, P658S.
Identifiers: ClinVar variation 2177977 (VCV002177977.9), dbSNP rs587776481, ClinGen allele CA10598064.

ClinVar aggregate classification (germline): Conflicting classifications of pathogenicity. Review status: criteria provided, conflicting classifications (1 of 4 stars). 3 submissions from 3 submitters: Uncertain significance (2); Likely benign (1). Last evaluated 2025-12-09.

Conditions:
Hereditary cancer-predisposing syndrome. Also called: Tumor predisposition; Hereditary neoplastic syndrome; Neoplastic Syndromes, Hereditary; Hereditary Cancer Syndrome. Identifiers: Orphanet 140162, MedGen C0027672, MeSH D009386, MONDO:0015356.
Hereditary breast ovarian cancer syndrome. Also called: Hereditary breast and ovarian cancer syndrome; Hereditary breast and/or ovarian cancer syndrome; Hereditary breast and ovarian cancer; Hereditary breast and ovarian cancer syndrome (HBOC); Breast and ovarian cancer; BRCA1- and BRCA2-Associated Hereditary Breast and Ovarian Cancer. Identifiers: Orphanet 145, MedGen C0677776, MeSH D061325, MONDO:0003582. Disease mechanism: loss of function.

gnomAD v4.1: 1 of 1,613,880 alleles (0.000062%); highest among the groups gnomAD compares: Middle Eastern, 0.016%; no homozygotes.

Submissions (3):

Labcorp Genetics (formerly Invitae), Labcorp
Classification: Uncertain significance for Hereditary breast ovarian cancer syndrome. Last evaluated: 2025-12-09. Review status: criteria provided, single submitter. Criteria: Invitae Variant Classification Sherloc (09022015). Collection method: clinical testing. Allele origin: germline.
Comment: This sequence change replaces proline, which is neutral and non-polar, with serine, which is neutral and polar, at codon 659 of the BRCA1 protein (p.Pro659Ser). This variant is not present in population databases (gnomAD no frequency). This variant has not been reported in the literature in individuals affected with BRCA1-related conditions. ClinVar contains an entry for this variant (Variation ID: 2177977). Invitae Evidence Modeling of protein sequence and biophysical properties (such as structural, functional, and spatial information, amino acid conservation, physicochemical variation, residue mobility, and thermodynamic stability) indicates that this missense variant is not expected to disrupt BRCA1 protein function with a negative predictive value of 80%. In summary, the available evidence is currently insufficient to determine the role of this variant in disease. Therefore, it has been classified as a Variant of Uncertain Significance.

Ambry Genetics
Classification: Uncertain significance for Hereditary cancer-predisposing syndrome. Last evaluated: 2025-08-25. Review status: criteria provided, single submitter. Criteria: Ambry Variant Classification Scheme 2023. Collection method: clinical testing. Allele origin: germline.
Comment: The p.P659S variant (also known as c.1975C>T), located in coding exon 9 of the BRCA1 gene, results from a C to T substitution at nucleotide position 1975. The proline at codon 659 is replaced by serine, an amino acid with similar properties. This amino acid position is well conserved in available vertebrate species. In addition, the in silico prediction for this alteration is inconclusive. Since supporting evidence is limited at this time, the clinical significance of this alteration remains unclear.

University of Washington Department of Laboratory Medicine, University of Washington
Classification: Likely benign for Hereditary cancer-predisposing syndrome. Last evaluated: 2023-03-23. Review status: criteria provided, single submitter. Criteria: Dines et al. (Genet Med. 2020). Collection method: curation. Allele origin: germline.
Comment: Missense variant in a coldspot region where missense variants are very unlikely to be pathogenic (PMID:31911673).

BRCA1 coldspot (exon 11 using historical exon numbering). Reclassification based on statistical prior probability